The following is an entry in ClinVar:

ClinVar aggregate classification (germline): Likely benign (1 of 4 stars; one submission).

gnomAD v4.1: 11 of 1,428,082 alleles (0.00077%); highest among the groups gnomAD compares: South Asian, 0.012%; no homozygotes.

Submission:

CeGaT Center for Human Genetics Tuebingen
Classification: Likely benign. Last evaluated: 2025-03-01. Review status: criteria provided, single submitter. Criteria: CeGaT Center For Human Genetics Tuebingen Variant Classification Criteria Version 2. Collection method: clinical testing. Allele origin: germline. Affected: yes. Observed: 1 variant allele.
Comment: KDM6B: BP4, BP7

NM_001348716.2(KDM6B):c.852C>T (p.Thr284=)

Gene: KDM6B (lysine demethylase 6B; plus strand). Cytogenetic location: 17p13.1.
Variant type: single nucleotide variant.
Coding change: c.852C>T on transcript NM_001348716.2 (MANE Select); coding-DNA position 852, C replaced by T.
Protein change: p.Thr284=; no amino-acid change (threonine 284 retained).
Molecular consequence: synonymous variant.
Genome position (GRCh38, 1-based): chr17:7,846,959, C>T. VCF-style: chr17-7846959-C-T. GRCh37 (hg19) VCF-style: chr17-7750277-C-T.
Other names: c.852C>T, p.Thr284= (NM_001080424.2).
Identifiers: ClinVar variation 3778132 (VCV003778132.7).